The following is an entry in ClinVar:

ClinVar aggregate classification (germline): Pathogenic. Review status: criteria provided, single submitter (1 of 4 stars). 3 submissions from 3 submitters: Pathogenic (1). 2 of the submissions do not count toward it. Last evaluated 2022-07-23.

Conditions:
Fanconi anemia complementation group A (FANCA). Also called: Fanconi anemia, group A; FANCA-Related Fanconi Anemia. Identifiers: Orphanet 84, MedGen C3469521, MONDO:0009215, OMIM 227650.
Fanconi anemia (FA). Also called: Fanconi's anemia. Identifiers: Orphanet 84, MedGen C0015625, MeSH D005199, MONDO:0019391.

Allele frequency attached by ClinVar (database versions not stated): TOPMed below 0.00001; gnomAD 0.00001.
gnomAD v4.1: 4 of 1,614,008 alleles (0.00025%); highest among the groups gnomAD compares: Non-Finnish European, 0.00034%; no homozygotes.

Submissions (3):

Labcorp Genetics (formerly Invitae), Labcorp
Classification: Pathogenic for Fanconi anemia. Last evaluated: 2022-07-23. Review status: criteria provided, single submitter. Criteria: Invitae Variant Classification Sherloc (09022015). Collection method: clinical testing. Allele origin: germline.
Comment: This sequence change creates a premature translational stop signal (p.Leu1295*) in the FANCA gene. It is expected to result in an absent or disrupted protein product. Loss-of-function variants in FANCA are known to be pathogenic (PMID: 19367192). This variant is not present in population databases (gnomAD no frequency). This premature translational stop signal has been observed in individual(s) with Fanconi anemia (PMID: 9371798, 23613520). ClinVar contains an entry for this variant (Variation ID: 557856). For these reasons, this variant has been classified as Pathogenic.

Leiden Open Variation Database
Classification: Pathogenic for Fanconi anemia complementation group A. Last evaluated: 2020-02-28. Review status: no assertion criteria provided. Collection method: curation. Allele origin: germline. Affected: yes. Not counted in ClinVar's aggregate classification.
Comment: Curator: Arleen D. Auerbach. Submitter to LOVD: Arleen D. Auerbach.

Counsyl
Classification: Likely pathogenic for Fanconi anemia complementation group A. Last evaluated: 2018-04-10. Review status: no assertion criteria provided. Collection method: clinical testing. Allele origin: unknown. Not counted in ClinVar's aggregate classification.

Literature cited by the submitters: PubMed 19367192 (cited by Labcorp Genetics (formerly Invitae), Labcorp); PubMed 9371798 (cited by Labcorp Genetics (formerly Invitae), Labcorp and Counsyl); PubMed 23613520 (cited by Labcorp Genetics (formerly Invitae), Labcorp).

NM_000135.4(FANCA):c.3884T>A (p.Leu1295Ter)

Genes: FANCA (FA complementation group A; minus strand), ZNF276 (zinc finger protein 276; plus strand). Cytogenetic location: 16q24.3.
Variant type: single nucleotide variant.
Coding change: c.3884T>A on transcript NM_000135.4 (MANE Select); coding-DNA position 3884, T replaced by A.
Protein change: p.Leu1295Ter; replaces leucine 1295 with a stop codon.
Molecular consequence: nonsense. On other transcripts: 3 prime UTR variant (2), non-coding transcript variant (4).
Genome position (GRCh38, 1-based): chr16:89,740,044, A>T on the plus strand (T>A on the coding strand, the complement: FANCA is on the minus strand). VCF-style: chr16-89740044-A-T. GRCh37 (hg19) VCF-style: chr16-89806452-A-T.
Other names: c.3884T>A, p.Leu1295Ter (NM_001286167.3); c.*1798A>T (NM_001113525.2, NM_152287.4); short protein forms L1295*.
Identifiers: ClinVar variation 557856 (VCV000557856.8), dbSNP rs986710868, ClinGen allele CA286617817.